The following is an entry in ClinVar:

ClinVar aggregate classification (germline): Conflicting classifications of pathogenicity. Review status: criteria provided, conflicting classifications (1 of 4 stars). 2 submissions from 2 submitters: Pathogenic (1); Uncertain significance (1). Last evaluated 2025-06-04.

Conditions:
Hereditary cancer-predisposing syndrome. Also called: Hereditary Cancer Syndrome; Hereditary neoplastic syndrome; Neoplastic Syndromes, Hereditary; Tumor predisposition. Identifiers: Orphanet 140162, MedGen C0027672, MeSH D009386, MONDO:0015356.

Submissions (2):

Labcorp Genetics (formerly Invitae), Labcorp
Classification: Pathogenic. Last evaluated: 2025-06-04. Review status: criteria provided, single submitter. Criteria: Invitae Variant Classification Sherloc (09022015). Collection method: clinical testing. Allele origin: germline.
Comment: This sequence change creates a premature translational stop signal (p.Val246Glufs*5) in the POLE gene. It is expected to result in an absent or disrupted protein product. Loss-of-function variants in POLE are known to be pathogenic (PMID: 23230001, 25948378, 30503519). Information on the frequency of this variant in the gnomAD database is not available, as this variant may be reported differently in the database. This variant has not been reported in the literature in individuals affected with POLE-related conditions. ClinVar contains an entry for this variant (Variation ID: 405628). For these reasons, this variant has been classified as Pathogenic.

Ambry Genetics
Classification: Uncertain significance for Hereditary cancer-predisposing syndrome. Last evaluated: 2024-12-17. Review status: criteria provided, single submitter. Criteria: Ambry Variant Classification Scheme 2023. Collection method: clinical testing. Allele origin: germline.
Comment: The c.737_753del17insA variant, located in coding exon 8 of the POLE gene, results from the deletion of 17 nucleotides and insertion of one nucleotide causing a translational frameshift with a predicted alternate stop codon (p.V246Efs*5). In silico splice site analysis predicts that this alteration will not have any significant effect on splicing. However, RNA studies have demonstrated that this alteration results in a splice defect; the clinical impact of this abnormal splicing is unknown at this time (Ambry internal data). Based on the available evidence, the clinical significance of this variant remains unclear.

Literature cited by the submitters: PubMed 23230001 (cited by Labcorp Genetics (formerly Invitae), Labcorp); PubMed 25948378 (cited by Labcorp Genetics (formerly Invitae), Labcorp); PubMed 30503519 (cited by Labcorp Genetics (formerly Invitae), Labcorp).

NM_006231.4(POLE):c.737_753delinsA (p.Val246fs)

Gene: POLE (DNA polymerase epsilon, catalytic subunit; minus strand). Cytogenetic location: 12q24.33.
Variant type: Indel.
Coding change: c.737_753delinsA on transcript NM_006231.4 (MANE Select); coding-DNA positions 737 to 753, TCAGATACCGAGGAAAT replaced by A.
Protein change: p.Val246fs; shifts the reading frame from valine 246.
Molecular consequence: frameshift variant.
Genome position (GRCh38, 1-based): chr12:132,677,411-132,677,427, ATTTCCTCGGTATCTGA replaced by T on the plus strand (TCAGATACCGAGGAAAT replaced by A on the coding strand, the reverse complement: POLE is on the minus strand). VCF-style: chr12-132677411-ATTTCCTCGGTATCTGA-T. GRCh37 (hg19) VCF-style: chr12-133253997-ATTTCCTCGGTATCTGA-T.
Other names: short protein forms V246fs.
Identifiers: ClinVar variation 405628 (VCV000405628.4), dbSNP rs1064792920, ClinGen allele CA16614032.
Genomic context (GRCh38, chr12:132,677,411, plus strand): 5'-AGCAAAACTTACAGGTCGTTCAACAAGGTCATCTCGGCGGGTGATTTCTACCGGAAAAGC[ATTTCCTCGGTATCTGA>T]CATTGTACCAATGAGCCTGCAAAACACACAGTGTGCTAACTAGAGTTCTACATCCAGGAA-3'